The following is an entry in ClinVar:

ClinVar aggregate classification (germline): Uncertain significance (1 of 4 stars; one submission).

Conditions:
Immunodeficiency 53. Identifiers: Orphanet 688594, MedGen C4539811, MONDO:0054696, OMIM 617585.

Allele frequency attached by ClinVar (database versions not stated): gnomAD exomes below 0.00001.
gnomAD v4.1: 1 of 1,488,248 alleles (0.000067%); highest among the groups gnomAD compares: Non-Finnish European, 0.000089%; no homozygotes.

Submission:

Labcorp Genetics (formerly Invitae), Labcorp
Classification: Uncertain significance. Last evaluated: 2025-03-31. Review status: criteria provided, single submitter. Criteria: Invitae Variant Classification Sherloc (09022015). Collection method: clinical testing. Allele origin: germline.
Comment: This sequence change replaces leucine, which is neutral and non-polar, with phenylalanine, which is neutral and non-polar, at codon 571 of the RELB protein (p.Leu571Phe). This variant is not present in population databases (gnomAD no frequency). This variant has not been reported in the literature in individuals affected with RELB-related conditions. ClinVar contains an entry for this variant (Variation ID: 2858353). An algorithm developed to predict the effect of missense changes on protein structure and function (PolyPhen-2) suggests that this variant is likely to be disruptive. In summary, the available evidence is currently insufficient to determine the role of this variant in disease. Therefore, it has been classified as a Variant of Uncertain Significance.

NM_006509.4(RELB):c.1711C>T (p.Leu571Phe)

Gene: RELB (RELB proto-oncogene, NF-kB subunit; plus strand). Cytogenetic location: 19q13.32.
Variant type: single nucleotide variant.
Coding change: c.1711C>T on transcript NM_006509.4 (MANE Select); coding-DNA position 1711, C replaced by T.
Protein change: p.Leu571Phe; replaces leucine 571 with phenylalanine.
Molecular consequence: missense variant.
Genome position (GRCh38, 1-based): chr19:45,037,761, C>T. VCF-style: chr19-45037761-C-T. GRCh37 (hg19) VCF-style: chr19-45541019-C-T.
Other names: c.1702C>T, p.Leu568Phe (NM_001411087.1); c.1711C>T (NM_006509.3); short protein forms L568F, L571F.
Identifiers: ClinVar variation 2858353 (VCV002858353.4), dbSNP rs2513663108, ClinGen allele CA406310454.